The following is an entry in ClinVar:

NM_152594.3(SPRED1):c.841C>T (p.Gln281Ter)

Gene: SPRED1 (sprouty related EVH1 domain containing 1; plus strand). Cytogenetic location: 15q14.
Variant type: single nucleotide variant.
Coding change: c.841C>T on transcript NM_152594.3 (MANE Select); coding-DNA position 841, C replaced by T.
Protein change: p.Gln281Ter; replaces glutamine 281 with a stop codon.
Molecular consequence: nonsense.
Genome position (GRCh38, 1-based): chr15:38,351,170, C>T. VCF-style: chr15-38351170-C-T. GRCh37 (hg19) VCF-style: chr15-38643371-C-T.
Other names: short protein forms Q281*.
Identifiers: ClinVar variation 1073547 (VCV001073547.9), dbSNP rs755557783, ClinGen allele CA7470191.

ClinVar aggregate classification (germline): Pathogenic (1 of 4 stars; one submission).

Conditions:
Legius syndrome. Identifiers: Orphanet 137605, MedGen C1969623, MONDO:0012669, OMIM 611431. Disease mechanism: loss of function.

Allele frequency attached by ClinVar (database versions not stated): gnomAD exomes below 0.00001; ExAC 0.00001.

Submission:

Labcorp Genetics (formerly Invitae), Labcorp
Classification: Pathogenic for Legius syndrome. Last evaluated: 2020-10-11. Review status: criteria provided, single submitter. Criteria: Invitae Variant Classification Sherloc (09022015). Collection method: clinical testing. Allele origin: germline.
Comment: For these reasons, this variant has been classified as Pathogenic. This variant disrupts the C-terminus of the SPRED1 protein. Other variant(s) that disrupt this region (p.Ser411Tyrfs*10) have been determined to be pathogenic (Invitae). This suggests that variants that disrupt this region of the protein are likely to be causative of disease. This variant has not been reported in the literature in individuals with SPRED1-related conditions. This variant is present in population databases (rs755557783, ExAC no frequency). This sequence change results in a premature translational stop signal in the SPRED1 gene (p.Gln281*). While this is not anticipated to result in nonsense mediated decay, it is expected to disrupt the last 164 amino acid(s) of the SPRED1 protein.